The following is an entry in ClinVar:

ClinVar aggregate classification (germline): Uncertain significance. Review status: criteria provided, multiple submitters, no conflicts (2 of 4 stars). 2 submissions from 2 submitters: Uncertain significance (2). Last evaluated 2015-10-11.

Allele frequency attached by ClinVar (database versions not stated): TOPMed 0.00003; gnomAD exomes 0.00007; ExAC 0.00030.

Submissions (2):

GeneDx
Classification: Uncertain significance. Last evaluated: 2015-10-11. Review status: criteria provided, single submitter. Criteria: GeneDx Variant Classification (06012015). Collection method: clinical testing. Allele origin: germline. Affected: yes.
Comment: The c.2 T>C variant in the IRX4 gene has not been reported previously as a pathogenic variant, nor as a benign variant, to our knowledge. The c.2 T>C variant was not observed in approximately 4,800 individuals of European and African American ancestry in the NHLBI Exome Sequencing Project, indicating it is not a common benign variant in these populations. This variant alters the initiator Methionine codon, and the resultant protein would be described as p.Met1? using a question mark to signify that it is not known if the loss of Met1 means that all protein translation is completely prevented or if an abnormal protein is produced using an alternate Met. We interpret c.2 T>C as a variant of uncertain significance.

Breakthrough Genomics
Classification: Uncertain significance. Review status: criteria provided, single submitter. Criteria: ACMG Guidelines, 2015. Collection method: not provided. Allele origin: germline. Inheritance: Unknown mechanism. Affected: yes.

NM_016358.3(IRX4):c.2T>C (p.Met1Thr)

Gene: IRX4 (iroquois homeobox 4; minus strand). Cytogenetic location: 5p15.33.
Variant type: single nucleotide variant.
Coding change: c.2T>C on transcript NM_016358.3 (MANE Select); coding-DNA position 2, T replaced by C.
Protein change: p.Met1Thr; changes the start codon (methionine 1).
Molecular consequence: missense variant, initiator codon variant.
Genome position (GRCh38, 1-based): chr5:1,882,646, A>G on the plus strand (T>C on the coding strand, the complement: IRX4 is on the minus strand). VCF-style: chr5-1882646-A-G. GRCh37 (hg19) VCF-style: chr5-1882760-A-G.
Other names: c.2T>C, p.Met1Thr (NM_001278632.1, NM_001278633.1, NM_001278634.2 and 1 more transcripts); short protein forms M1T.
Identifiers: ClinVar variation 488787 (VCV000488787.4), dbSNP rs753301629, ClinGen allele CA3188149.